The following is an entry in ClinVar:

NM_021942.6(TRAPPC11):c.974C>A (p.Ala325Asp)

Gene: TRAPPC11 (trafficking protein particle complex subunit 11; plus strand). Cytogenetic location: 4q35.1.
Variant type: single nucleotide variant.
Coding change: c.974C>A on transcript NM_021942.6 (MANE Select); coding-DNA position 974, C replaced by A.
Protein change: p.Ala325Asp; replaces alanine 325 with aspartic acid.
Molecular consequence: missense variant.
Genome position (GRCh38, 1-based): chr4:183,680,128, C>A. VCF-style: chr4-183680128-C-A. GRCh37 (hg19) VCF-style: chr4-184601281-C-A.
Other names: c.974C>A, p.Ala325Asp (NM_199053.3); c.974C>A (NM_021942.4); short protein forms A325D.
Identifiers: ClinVar variation 474370 (VCV000474370.11), dbSNP rs775652273, ClinGen allele CA3151765.

ClinVar aggregate classification (germline): Uncertain significance. Review status: criteria provided, multiple submitters, no conflicts (2 of 4 stars). 2 submissions from 2 submitters: Uncertain significance (2). Last evaluated 2025-08-07.

Conditions:
Autosomal recessive limb-girdle muscular dystrophy type R18 (LGMDR18). Also called: MUSCULAR DYSTROPHY, LIMB-GIRDLE, AUTOSOMAL RECESSIVE 18; Autosomal recessive limb-girdle muscular dystrophy type 2S; Limb-girdle muscular dystrophy, type 2S. Identifiers: Orphanet 369840, MedGen C4517996, MONDO:0014144, OMIM 615356.
Inborn genetic diseases. Identifiers: MedGen C0950123, MeSH D030342.

Allele frequency attached by ClinVar (database versions not stated): ExAC 0.00001; gnomAD exomes 0.00001.
gnomAD v4.1: 4 of 1,611,104 alleles (0.00025%); highest among the groups gnomAD compares: Admixed American, 0.0067%; no homozygotes.

Submissions (2):

Ambry Genetics
Classification: Uncertain significance for Inborn genetic diseases. Last evaluated: 2025-08-07. Review status: criteria provided, single submitter. Criteria: Ambry Variant Classification Scheme 2023. Collection method: clinical testing. Allele origin: germline.

Labcorp Genetics (formerly Invitae), Labcorp
Classification: Uncertain significance for Autosomal recessive limb-girdle muscular dystrophy type R18. Last evaluated: 2024-02-23. Review status: criteria provided, single submitter. Criteria: Invitae Variant Classification Sherloc (09022015). Collection method: clinical testing. Allele origin: germline.
Comment: This sequence change replaces alanine, which is neutral and non-polar, with aspartic acid, which is acidic and polar, at codon 325 of the TRAPPC11 protein (p.Ala325Asp). This variant is present in population databases (rs775652273, gnomAD 0.006%). This variant has not been reported in the literature in individuals affected with TRAPPC11-related conditions. ClinVar contains an entry for this variant (Variation ID: 474370). Advanced modeling of protein sequence and biophysical properties (such as structural, functional, and spatial information, amino acid conservation, physicochemical variation, residue mobility, and thermodynamic stability) performed at Invitae indicates that this missense variant is not expected to disrupt TRAPPC11 protein function with a negative predictive value of 80%. In summary, the available evidence is currently insufficient to determine the role of this variant in disease. Therefore, it has been classified as a Variant of Uncertain Significance.